The following is an entry in ClinVar:

NM_001134407.3(GRIN2A):c.4239del (p.Arg1414fs)

Gene: GRIN2A (glutamate ionotropic receptor NMDA type subunit 2A; minus strand). Cytogenetic location: 16p13.2.
Variant type: Deletion.
Coding change: c.4239del on transcript NM_001134407.3 (MANE Select); coding-DNA position 4239, one base deleted (C; older notation c.4239delC).
Protein change: p.Arg1414fs; shifts the reading frame from arginine 1414.
Molecular consequence: frameshift variant. On other transcripts: 3 prime UTR variant (1).
Genome position (GRCh38, 1-based): chr16:9,763,305, G deleted on the plus strand (C on the coding strand, the reverse complement: GRIN2A is on the minus strand); the first of 2 consecutive G bases (chr16:9,763,305-9,763,306); deleting either gives the same sequence. VCF-style (leftmost placement, unchanged base first): chr16-9763304-TG-T. GRCh37 (hg19) VCF-style: chr16-9857161-TG-T.
Other names: c.4239del, p.Arg1414fs (NM_000833.5); c.*50del (NM_001134408.2); short protein forms R1414fs.
Identifiers: ClinVar variation 5008152 (VCV005008152.1).
Genomic context (GRCh38, chr16:9,763,304, plus strand): 5'-TTGCAGCATAAGGCATAACATGCTCCGAAATATACACATCATTGTGGCCCCGACTGTCCC[TG>T]GAACAGTACGATGCCGTTGACCTCAAGGACGACCGAAGATAGCTGTCATTCACCGCCTGG-3'

ClinVar aggregate classification (germline): Uncertain significance (1 of 4 stars; one submission).

Submission:

GeneDx
Classification: Uncertain significance. Last evaluated: 2026-02-26. Review status: criteria provided, single submitter. Criteria: GeneDx Variant Classification Process June 2021. Collection method: clinical testing. Allele origin: germline.
Comment: Not observed at significant frequency in large population cohorts (gnomAD); Frameshift variant predicted to result in abnormal protein length as the last 51 amino acids are replaced with 31 different amino acids; Has not been previously published as pathogenic or benign to our knowledge